The following is an entry in ClinVar:

ClinVar aggregate classification (germline): Uncertain significance. Review status: criteria provided, multiple submitters, no conflicts (2 of 4 stars). 2 submissions from 2 submitters: Uncertain significance (2). Last evaluated 2025-06-24.

Conditions:
Hereditary cancer-predisposing syndrome. Also called: Neoplastic Syndromes, Hereditary; Hereditary Cancer Syndrome; Tumor predisposition; Hereditary neoplastic syndrome. Identifiers: Orphanet 140162, MedGen C0027672, MeSH D009386, MONDO:0015356.
Rhabdoid tumor predisposition syndrome 2 (RTPS2). Identifiers: Orphanet 231108, Orphanet 69077, MedGen C2750074, MONDO:0013224, OMIM 613325.

Submissions (2):

Ambry Genetics
Classification: Uncertain significance for Hereditary cancer-predisposing syndrome. Last evaluated: 2025-06-24. Review status: criteria provided, single submitter. Criteria: Ambry Variant Classification Scheme 2023. Collection method: clinical testing. Allele origin: germline.
Comment: The p.E566Q variant (also known as c.1696G>C), located in coding exon 9 of the SMARCA4 gene, results from a G to C substitution at nucleotide position 1696. The glutamic acid at codon 566 is replaced by glutamine, an amino acid with highly similar properties. This amino acid position is conserved. In addition, this alteration is predicted to be tolerated by in silico analysis. Based on the available evidence, the clinical significance of this variant remains unclear.

Labcorp Genetics (formerly Invitae), Labcorp
Classification: Uncertain significance for Rhabdoid tumor predisposition syndrome 2. Last evaluated: 2023-04-07. Review status: criteria provided, single submitter. Criteria: Invitae Variant Classification Sherloc (09022015). Collection method: clinical testing. Allele origin: germline.
Comment: This sequence change replaces glutamic acid, which is acidic and polar, with glutamine, which is neutral and polar, at codon 566 of the SMARCA4 protein (p.Glu566Gln). This variant is not present in population databases (gnomAD no frequency). This variant has not been reported in the literature in individuals affected with SMARCA4-related conditions. Advanced modeling of protein sequence and biophysical properties (such as structural, functional, and spatial information, amino acid conservation, physicochemical variation, residue mobility, and thermodynamic stability) performed at Invitae indicates that this missense variant is not expected to disrupt SMARCA4 protein function. In summary, the available evidence is currently insufficient to determine the role of this variant in disease. Therefore, it has been classified as a Variant of Uncertain Significance.

NM_003072.5(SMARCA4):c.1696G>C (p.Glu566Gln)

Gene: SMARCA4 (SWI/SNF related BAF chromatin remodeling complex subunit ATPase 4; plus strand). Cytogenetic location: 19p13.2.
Variant type: single nucleotide variant.
Coding change: c.1696G>C on transcript NM_003072.5 (MANE Select); coding-DNA position 1696, G replaced by C.
Protein change: p.Glu566Gln; replaces glutamic acid 566 with glutamine.
Molecular consequence: missense variant. On other transcripts: non-coding transcript variant (1).
Genome position (GRCh38, 1-based): chr19:10,996,315, G>C. VCF-style: chr19-10996315-G-C. GRCh37 (hg19) VCF-style: chr19-11106991-G-C.
Other names: c.1696G>C (NM_001128849.1); c.1696G>C, p.Glu566Gln (NM_001128844.3, NM_001128845.2, NM_001128846.2 and 6 more transcripts); short protein forms E566Q.
Identifiers: ClinVar variation 2853087 (VCV002853087.4), dbSNP rs2145972387, ClinGen allele CA404064442.